The following is an entry in ClinVar:

NM_001134831.2(AHI1):c.1766G>C (p.Arg589Pro)

Gene: AHI1 (Abelson helper integration site 1; minus strand). Cytogenetic location: 6q23.3.
Variant type: single nucleotide variant.
Coding change: c.1766G>C on transcript NM_001134831.2 (MANE Select); coding-DNA position 1766, G replaced by C.
Protein change: p.Arg589Pro; replaces arginine 589 with proline.
Molecular consequence: missense variant.
Genome position (GRCh38, 1-based): chr6:135,447,021, C>G on the plus strand (G>C on the coding strand, the complement: AHI1 is on the minus strand). VCF-style: chr6-135447021-C-G. GRCh37 (hg19) VCF-style: chr6-135768159-C-G.
Other names: c.1766G>C, p.Arg589Pro (NM_001134830.2, NM_001134832.2, NM_001350503.2 and 2 more transcripts); short protein forms R589P.
Identifiers: ClinVar variation 4991177 (VCV004991177.1).

ClinVar aggregate classification (germline): Uncertain significance (1 of 4 stars; one submission).

Conditions:
AHI1-related disorder. Also called: AHI1-related condition.

Submission:

PreventionGenetics, part of Exact Sciences
Classification: Uncertain significance for AHI1-related condition. Last evaluated: 2026-06-30. Review status: criteria provided, single submitter. Criteria: ACMG Guidelines, 2015. Collection method: clinical testing. Allele origin: germline.
Comment: The AHI1 c.1766G>C variant is predicted to result in the amino acid substitution p.Arg589Pro. To our knowledge, this variant has not been reported in the literature or in a large population database (gnomAD), indicating this variant is rare. At this time, the clinical significance of this variant is uncertain due to the absence of conclusive functional and genetic evidence.